The following is an entry in ClinVar:

NM_006767.4(LZTR1):c.321-1G>A

Gene: LZTR1 (leucine zipper like post translational regulator 1; plus strand). Cytogenetic location: 22q11.21.
Variant type: single nucleotide variant.
Coding change: c.321-1G>A on transcript NM_006767.4 (MANE Select); the canonical splice acceptor site of the intron before coding-DNA position 321, G replaced by A.
Molecular consequence: splice acceptor variant.
Genome position (GRCh38, 1-based): chr22:20,987,503, G>A. VCF-style: chr22-20987503-G-A. GRCh37 (hg19) VCF-style: chr22-21341792-G-A.
Identifiers: ClinVar variation 1728945 (VCV001728945.6), dbSNP rs532811225, ClinGen allele CA322322742.

ClinVar aggregate classification (germline): Likely pathogenic. Review status: criteria provided, multiple submitters, no conflicts (2 of 4 stars). 2 submissions from 2 submitters: Likely pathogenic (2). Last evaluated 2025-12-17.

Conditions:
Cardiovascular phenotype. Identifiers: MedGen CN230736.
Hereditary cancer-predisposing syndrome. Also called: Tumor predisposition; Neoplastic Syndromes, Hereditary; Hereditary Cancer Syndrome; Hereditary neoplastic syndrome. Identifiers: Orphanet 140162, MedGen C0027672, MeSH D009386, MONDO:0015356.

gnomAD v4.1: 2 of 1,610,894 alleles (0.00012%); highest among the groups gnomAD compares: Non-Finnish European, 0.00017%; no homozygotes.

Submissions (2):

Labcorp Genetics (formerly Invitae), Labcorp
Classification: Likely pathogenic. Last evaluated: 2025-12-17. Review status: criteria provided, single submitter. Criteria: Invitae Variant Classification Sherloc (09022015). Collection method: clinical testing. Allele origin: germline.
Comment: This sequence change affects an acceptor splice site in intron 3 of the LZTR1 gene. It is expected to disrupt RNA splicing. Variants that disrupt the donor or acceptor splice site typically lead to a loss of protein function (PMID: 16199547), and loss-of-function variants in LZTR1 are known to be pathogenic (PMID: 24362817, 25335493, 25480913, 25795793, 29469822, 30368668, 30442762, 30442766, 30481304, 30859559). This variant is not present in population databases (gnomAD no frequency). This variant has not been reported in the literature in individuals affected with LZTR1-related conditions. ClinVar contains an entry for this variant (Variation ID: 1728945). Algorithms developed to predict the effect of sequence changes on RNA splicing suggest that this variant may disrupt the consensus splice site. In summary, the currently available evidence indicates that the variant is pathogenic, but additional data are needed to prove that conclusively. Therefore, this variant has been classified as Likely Pathogenic.

Ambry Genetics
Classification: Likely pathogenic for Cardiovascular phenotype; Hereditary cancer-predisposing syndrome. Last evaluated: 2025-02-07. Review status: criteria provided, single submitter. Criteria: Ambry Variant Classification Scheme 2023. Collection method: clinical testing. Allele origin: germline.
Comment: The c.321-1G>A intronic variant results from a G to A substitution one nucleotide upstream from coding exon 4 of the LZTR1 gene. This variant is considered to be rare based on population cohorts in the Genome Aggregation Database (gnomAD). This nucleotide position is highly conserved in available vertebrate species. In silico splice site analysis predicts that this alteration will weaken the native splice acceptor site and will result in the creation or strengthening of a novel splice acceptor site. Alterations that disrupt the canonical splice site are expected to cause aberrant splicing, resulting in an abnormal protein or a transcript that is subject to nonsense-mediated mRNA decay. Loss-of-function variants in LZTR1 are related to an increased risk for schwannomas and autosomal recessive Noonan syndrome; however, such associations with autosomal dominant Noonan syndrome have not been observed (Piotrowski A et al. Nat Genet. 2014 Feb;46:182-7; Yamamoto GL et al. J Med Genet. 2015 Jun;52:413-21; Johnston JJ et al. Genet Med. 2018 10;20:1175-1185). Based on the supporting evidence, this variant is likely pathogenic for an increased risk of LZTR1-related schwannomatosis (SWN) and would be expected to cause autosomal recessive Noonan syndrome when present along with a second pathogenic or likely pathogenic variant on the other allele; however, the association of this alteration with autosomal dominant Noonan syndrome is unlikely.

Literature cited by the submitters: PubMed 16199547 (cited by Labcorp Genetics (formerly Invitae), Labcorp); PubMed 24362817 (cited by Labcorp Genetics (formerly Invitae), Labcorp); PubMed 25335493 (cited by Labcorp Genetics (formerly Invitae), Labcorp); PubMed 25480913 (cited by Labcorp Genetics (formerly Invitae), Labcorp); PubMed 25795793 (cited by Labcorp Genetics (formerly Invitae), Labcorp); PubMed 29469822 (cited by Labcorp Genetics (formerly Invitae), Labcorp); PubMed 30368668 (cited by Labcorp Genetics (formerly Invitae), Labcorp); PubMed 30442762 (cited by Labcorp Genetics (formerly Invitae), Labcorp); PubMed 30442766 (cited by Labcorp Genetics (formerly Invitae), Labcorp); PubMed 30481304 (cited by Labcorp Genetics (formerly Invitae), Labcorp); PubMed 30859559 (cited by Labcorp Genetics (formerly Invitae), Labcorp).